The following is an entry in ClinVar:

ClinVar aggregate classification (germline): Uncertain significance (1 of 4 stars; one submission).

Submission:

GeneDx
Classification: Uncertain significance. Last evaluated: 2024-02-13. Review status: criteria provided, single submitter. Criteria: GeneDx Variant Classification Process June 2021. Collection method: clinical testing. Allele origin: germline. Affected: yes.
Comment: Not observed at significant frequency in large population cohorts (gnomAD); In silico analysis supports that this missense variant has a deleterious effect on protein structure/function; Has not been previously published as pathogenic or benign to our knowledge

NM_001271.4(CHD2):c.2566G>T (p.Asp856Tyr)

Gene: CHD2 (chromodomain helicase DNA binding protein 2; plus strand). Cytogenetic location: 15q26.1.
Variant type: single nucleotide variant.
Coding change: c.2566G>T on transcript NM_001271.4 (MANE Select); coding-DNA position 2566, G replaced by T.
Protein change: p.Asp856Tyr; replaces aspartic acid 856 with tyrosine.
Molecular consequence: missense variant.
Genome position (GRCh38, 1-based): chr15:92,974,939, G>T. VCF-style: chr15-92974939-G-T. GRCh37 (hg19) VCF-style: chr15-93518169-G-T.
Other names: short protein forms D856Y.
Identifiers: ClinVar variation 3369197 (VCV003369197.1).